The following is an entry in ClinVar:

ClinVar aggregate classification (germline): Likely benign. Review status: criteria provided, multiple submitters, no conflicts (2 of 4 stars). 4 submissions from 4 submitters: Likely benign (3). 1 of the submissions does not count toward it. Last evaluated 2025-12-25.

Conditions:
LRRC56-related disorder. Also called: LRRC56-related condition.

Allele frequency attached by ClinVar (database versions not stated): gnomAD 0.00002 and 0.00004; TOPMed 0.00002; ExAC 0.00003; gnomAD exomes 0.00004; 1000 Genomes Project 30x 0.00016.
gnomAD v4.1: 65 of 1,610,604 alleles (0.004%); highest among the groups gnomAD compares: Middle Eastern, 0.099%; no homozygotes.

Submissions (4):

Labcorp Genetics (formerly Invitae), Labcorp
Classification: Likely benign. Last evaluated: 2025-12-25. Review status: criteria provided, single submitter. Criteria: Invitae Variant Classification Sherloc (09022015). Collection method: clinical testing. Allele origin: germline.

Blueprint Genetics
Classification: Likely benign. Last evaluated: 2023-04-18. Review status: criteria provided, single submitter. Criteria: ACMG Guidelines, 2015. Collection method: clinical testing. Allele origin: germline.

Breakthrough Genomics
Classification: Likely benign. Review status: criteria provided, single submitter. Criteria: ACMG Guidelines, 2015. Collection method: not provided. Allele origin: germline. Inheritance: Autosomal recessive inheritance. Affected: yes.

PreventionGenetics, part of Exact Sciences
Classification: Likely benign for LRRC56-related condition. Last evaluated: 2019-07-12. Review status: no assertion criteria provided. Collection method: clinical testing. Allele origin: germline. Not counted in ClinVar's aggregate classification.
Comment: This variant is classified as likely benign based on ACMG/AMP sequence variant interpretation guidelines (Richards et al. 2015 PMID: 25741868, with internal and published modifications).

NM_198075.4(LRRC56):c.855G>A (p.Thr285=)

Gene: LRRC56 (leucine rich repeat containing 56; plus strand). Cytogenetic location: 11p15.5.
Variant type: single nucleotide variant.
Coding change: c.855G>A on transcript NM_198075.4 (MANE Select); coding-DNA position 855, G replaced by A.
Protein change: p.Thr285=; no amino-acid change (threonine 285 retained).
Molecular consequence: synonymous variant.
Genome position (GRCh38, 1-based): chr11:551,709, G>A. VCF-style: chr11-551709-G-A. GRCh37 (hg19) VCF-style: chr11-551709-G-A.
Other names: c.855G>A (NM_198075.3).
Identifiers: ClinVar variation 1641758 (VCV001641758.12), dbSNP rs769838205, ClinGen allele CA5779854.